The following is an entry in ClinVar:

NM_014727.3(KMT2B):c.5651C>T (p.Pro1884Leu)

Gene: KMT2B (lysine methyltransferase 2B; plus strand). Cytogenetic location: 19q13.12.
Variant type: single nucleotide variant.
Coding change: c.5651C>T on transcript NM_014727.3 (MANE Select); coding-DNA position 5651, C replaced by T.
Protein change: p.Pro1884Leu; replaces proline 1884 with leucine.
Molecular consequence: missense variant.
Genome position (GRCh38, 1-based): chr19:35,732,121, C>T. VCF-style: chr19-35732121-C-T. GRCh37 (hg19) VCF-style: chr19-36223022-C-T.
Other names: short protein forms P1884L.
Identifiers: ClinVar variation 1526360 (VCV001526360.2), dbSNP rs771527254, ClinGen allele CA405422843.

ClinVar aggregate classification (germline): Uncertain significance (1 of 4 stars; one submission).

Allele frequency attached by ClinVar (database versions not stated): gnomAD exomes below 0.00001.
gnomAD v4.1: 1 of 1,592,888 alleles (0.000063%); highest among the groups gnomAD compares: South Asian, 0.0011%; no homozygotes.

Submission:

GeneDx
Classification: Uncertain significance. Last evaluated: 2021-09-24. Review status: criteria provided, single submitter. Criteria: GeneDx Variant Classification Process June 2021. Collection method: clinical testing. Allele origin: germline. Affected: yes.
Comment: In silico analysis supports that this missense variant has a deleterious effect on protein structure/function; Has not been previously published as pathogenic or benign to our knowledge